The following is an entry in ClinVar:

ClinVar aggregate classification (germline): Uncertain significance (1 of 4 stars; one submission).

Conditions:
Congenital neutropenia-myelofibrosis-nephromegaly syndrome. Also called: Severe congenital neutropenia 5, autosomal recessive. Identifiers: Orphanet 369852, MedGen C3809031, MONDO:0014118, OMIM 615285.

Submission:

Labcorp Genetics (formerly Invitae), Labcorp
Classification: Uncertain significance for Congenital neutropenia-myelofibrosis-nephromegaly syndrome. Last evaluated: 2022-07-19. Review status: criteria provided, single submitter. Criteria: Invitae Variant Classification Sherloc (09022015). Collection method: clinical testing. Allele origin: germline.
Comment: This variant has not been reported in the literature in individuals affected with VPS45-related conditions. In summary, the available evidence is currently insufficient to determine the role of this variant in disease. Therefore, it has been classified as a Variant of Uncertain Significance. Algorithms developed to predict the effect of sequence changes on RNA splicing suggest that this variant may create or strengthen a splice site. This variant is not present in population databases (gnomAD no frequency). This sequence change affects codon 143 of the VPS45 mRNA. It is a 'silent' change, meaning that it does not change the encoded amino acid sequence of the VPS45 protein.

NM_007259.5(VPS45):c.429T>A (p.Gly143=)

Gene: VPS45 (vacuolar protein sorting 45 homolog; plus strand). Cytogenetic location: 1q21.2.
Variant type: single nucleotide variant.
Coding change: c.429T>A on transcript NM_007259.5 (MANE Select); coding-DNA position 429, T replaced by A.
Protein change: p.Gly143=; no amino-acid change (glycine 143 retained).
Molecular consequence: synonymous variant. On other transcripts: intron variant (1).
Genome position (GRCh38, 1-based): chr1:150,076,975, T>A. VCF-style: chr1-150076975-T-A. GRCh37 (hg19) VCF-style: chr1-150049053-T-A.
Other names: c.321T>A, p.Gly107= (NM_001279354.2); c.261+663T>A (NM_001279353.2).
Identifiers: ClinVar variation 1981794 (VCV001981794.4), dbSNP rs1553798233, ClinGen allele CA420655832.